The following is an entry in ClinVar:

ClinVar aggregate classification (germline): Pathogenic (1 of 4 stars; one submission).

Conditions:
Hereditary breast ovarian cancer syndrome. Also called: Hereditary breast and ovarian cancer syndrome; Hereditary breast and/or ovarian cancer syndrome; Hereditary breast and ovarian cancer; Hereditary breast and ovarian cancer syndrome (HBOC); Breast and ovarian cancer; BRCA1- and BRCA2-Associated Hereditary Breast and Ovarian Cancer. Identifiers: Orphanet 145, MedGen C0677776, MeSH D061325, MONDO:0003582. Disease mechanism: loss of function.

Submission:

Labcorp Genetics (formerly Invitae), Labcorp
Classification: Pathogenic for Hereditary breast ovarian cancer syndrome. Last evaluated: 2024-12-23. Review status: criteria provided, single submitter. Criteria: Invitae Variant Classification Sherloc (09022015). Collection method: clinical testing. Allele origin: germline.
Comment: This sequence change creates a premature translational stop signal (p.His2038Glnfs*12) in the BRCA2 gene. It is expected to result in an absent or disrupted protein product. Loss-of-function variants in BRCA2 are known to be pathogenic (PMID: 20104584). This variant is not present in population databases (gnomAD no frequency). This variant has not been reported in the literature in individuals affected with BRCA2-related conditions. For these reasons, this variant has been classified as Pathogenic.

Literature cited by the submitters: PubMed 20104584.

NM_000059.4(BRCA2):c.6114_6117del (p.His2038fs)

Gene: BRCA2 (BRCA2 DNA repair associated; plus strand). Cytogenetic location: 13q13.1.
Variant type: Deletion.
Coding change: c.6114_6117del on transcript NM_000059.4 (MANE Select); coding-DNA positions 6114 to 6117, 4 bases deleted (TTTA; older notation c.6114_6117delTTTA).
Protein change: p.His2038fs; shifts the reading frame from histidine 2038.
Molecular consequence: frameshift variant. On other transcripts: non-coding transcript variant (1), intron variant (2).
Genome position (GRCh38, 1-based): chr13:32,340,469-32,340,472, TTTA deleted; deleting any 4 consecutive bases within chr13:32,340,468-32,340,472 gives the same sequence; the c. name uses the placement nearest the transcript's 3' end. VCF-style (leftmost placement, unchanged base first): chr13-32340467-CATTT-C. GRCh37 (hg19) VCF-style: chr13-32914604-CATTT-C.
Other names: c.6114_6117del, p.His2038fs (NM_001406719.1, NM_001406720.1, NM_001432077.1); c.1910-4089_1910-4086del (NM_001406721.1); c.425-4089_425-4086del (NM_001406722.1); short protein forms H2038fs.
Identifiers: ClinVar variation 3727842 (VCV003727842.2).